The following is an entry in ClinVar:

NM_000245.4(MET):c.*2240G>A

Gene: MET (MET proto-oncogene, receptor tyrosine kinase; plus strand). Cytogenetic location: 7q31.2.
Variant type: single nucleotide variant.
Coding change: c.*2240G>A on transcript NM_000245.4 (MANE Select); 2240 bases downstream of the stop codon, G replaced by A.
Molecular consequence: 3 prime UTR variant.
Genome position (GRCh38, 1-based): chr7:116,798,364, G>A. VCF-style: chr7-116798364-G-A. GRCh37 (hg19) VCF-style: chr7-116438418-G-A.
Other names: c.*2240G>A (LRG_662t1, NM_001127500.3, NM_001324402.2).
Identifiers: ClinVar variation 358730 (VCV000358730.6), dbSNP rs6566, ClinGen allele CA10623085.

ClinVar aggregate classification (germline): Benign. Review status: criteria provided, multiple submitters, no conflicts (2 of 4 stars). 2 submissions from 2 submitters: Benign (2). Last evaluated 2018-01-12.

Conditions:
Papillary renal cell carcinoma type 1 (RCCP1). Also called: RENAL CELL CARCINOMA, PAPILLARY, 1, SOMATIC; Renal adenocarcinoma; Renal cell carcinoma 1; Renal cell carcinoma, somatic. Identifiers: Orphanet 47044, MedGen C1336839, OMIM 605074, HP:0011797.

Allele frequency attached by ClinVar (database versions not stated): gnomAD 0.34157 and 0.35098; TOPMed 0.34642; 1000 Genomes Project 30x 0.35072; 1000 Genomes Project 0.35543; gnomAD exomes 0.45339.
gnomAD v4.1: 69,298 of 187,378 alleles (37%); highest among the groups gnomAD compares: East Asian, 49%; 14,814 homozygotes.

Submissions (2):

Illumina Laboratory Services, Illumina
Classification: Benign for Papillary renal cell carcinoma type 1. Last evaluated: 2018-01-12. Review status: criteria provided, single submitter. Criteria: ICSL Variant Classification Criteria 13 December 2019. Collection method: clinical testing. Allele origin: germline.
Comment: This variant was observed in the ICSL laboratory as part of a predisposition screen in an ostensibly healthy population. It had not been previously curated by ICSL or reported in the Human Gene Mutation Database (HGMD: prior to June 1st, 2018), and was therefore a candidate for classification through an automated scoring system. Utilizing variant allele frequency, disease prevalence and penetrance estimates, and inheritance mode, an automated score was calculated to assess if this variant is too frequent to cause the disease. Based on the score and internal cut-off values, a variant classified as benign is not then subjected to further curation. The score for this variant resulted in a classification of benign for this disease.

Breakthrough Genomics
Classification: Benign. Review status: criteria provided, single submitter. Criteria: ACMG Guidelines, 2015. Collection method: not provided. Allele origin: germline. Inheritance: Autosomal recessive inheritance. Affected: yes.